The following is an entry in ClinVar:

NM_001159773.2(CANT1):c.*671T>C

Gene: CANT1 (calcium activated nucleotidase 1; minus strand). Cytogenetic location: 17q25.3.
Variant type: single nucleotide variant.
Coding change: c.*671T>C on transcript NM_001159773.2 (MANE Select); 671 bases downstream of the stop codon, T replaced by C.
Molecular consequence: 3 prime UTR variant.
Genome position (GRCh38, 1-based): chr17:78,992,879, A>G on the plus strand (T>C on the coding strand, the complement: CANT1 is on the minus strand). VCF-style: chr17-78992879-A-G. GRCh37 (hg19) VCF-style: chr17-76988961-A-G.
Other names: c.*671T>C (NM_001159772.2, NM_138793.4).
Identifiers: ClinVar variation 325685 (VCV000325685.6), dbSNP rs114125762, ClinGen allele CA10651204.
Genomic context (GRCh38, chr17:78,992,879, plus strand): 5'-CACTTTATAAGAAAGGAAACTGCTTTAATTAAAGCAGGTTAATAATTAAAACTTCAAAGT[A>G]CTGCACAGCCACAGAATTTTCTTGAAGGGAGAAAGCGGTCACTGGCCATATGATGCGGAG-3'

ClinVar aggregate classification (germline): Benign. Review status: criteria provided, multiple submitters, no conflicts (2 of 4 stars). 2 submissions from 2 submitters: Benign (2). Last evaluated 2018-01-13.

Conditions:
Desbuquois dysplasia 1 (DBQD1). Also called: MICROMELIC DWARFISM WITH VERTEBRAL AND METAPHYSEAL ABNORMALITIES AND ADVANCED CARPOTARSAL OSSIFICATION; DESBUQUOIS DYSPLASIA 1, KIM VARIANT. Identifiers: Orphanet 1425, MedGen C4012146, MONDO:0009629, OMIM 251450.

Allele frequency attached by ClinVar (database versions not stated): gnomAD exomes 0.02340; gnomAD 0.03159 and 0.03215; 1000 Genomes Project 30x 0.03232; 1000 Genomes Project 0.03355; TOPMed 0.03357.
gnomAD v4.1: 9,821 of 364,836 alleles (2.7%); highest among the groups gnomAD compares: African/African-American, 4.6%; 164 homozygotes.

Submissions (2):

Illumina Laboratory Services, Illumina
Classification: Benign for Desbuquois dysplasia 1. Last evaluated: 2018-01-13. Review status: criteria provided, single submitter. Criteria: ICSL Variant Classification Criteria 13 December 2019. Collection method: clinical testing. Allele origin: germline.
Comment: This variant was observed in the ICSL laboratory as part of a predisposition screen in an ostensibly healthy population. It had not been previously curated by ICSL or reported in the Human Gene Mutation Database (HGMD: prior to June 1st, 2018), and was therefore a candidate for classification through an automated scoring system. Utilizing variant allele frequency, disease prevalence and penetrance estimates, and inheritance mode, an automated score was calculated to assess if this variant is too frequent to cause the disease. Based on the score and internal cut-off values, a variant classified as benign is not then subjected to further curation. The score for this variant resulted in a classification of benign for this disease.

Breakthrough Genomics
Classification: Benign. Review status: criteria provided, single submitter. Criteria: ACMG Guidelines, 2015. Collection method: not provided. Allele origin: germline. Inheritance: Autosomal recessive inheritance. Affected: yes.